The following is an entry in ClinVar:

ClinVar aggregate classification (germline): Uncertain significance (1 of 4 stars; one submission).

Conditions:
Epileptic encephalopathy. Identifiers: MedGen C0543888, HP:0200134.

gnomAD v4.1: 13 of 1,612,260 alleles (0.00081%); highest among the groups gnomAD compares: African/African-American, 0.0027%; no homozygotes.

Submission:

Labcorp Genetics (formerly Invitae), Labcorp
Classification: Uncertain significance for Epileptic encephalopathy. Last evaluated: 2024-09-09. Review status: criteria provided, single submitter. Criteria: Invitae Variant Classification Sherloc (09022015). Collection method: clinical testing. Allele origin: germline.
Comment: This sequence change replaces arginine, which is basic and polar, with serine, which is neutral and polar, at codon 457 of the GABBR2 protein (p.Arg457Ser). This variant is present in population databases (no rsID available, gnomAD 0.06%). This variant has not been reported in the literature in individuals affected with GABBR2-related conditions. Invitae Evidence Modeling of protein sequence and biophysical properties (such as structural, functional, and spatial information, amino acid conservation, physicochemical variation, residue mobility, and thermodynamic stability) indicates that this missense variant is not expected to disrupt GABBR2 protein function with a negative predictive value of 80%. In summary, the available evidence is currently insufficient to determine the role of this variant in disease. Therefore, it has been classified as a Variant of Uncertain Significance.

NM_005458.8(GABBR2):c.1371G>T (p.Arg457Ser)

Gene: GABBR2 (gamma-aminobutyric acid type B receptor subunit 2; minus strand). Cytogenetic location: 9q22.33.
Variant type: single nucleotide variant.
Coding change: c.1371G>T on transcript NM_005458.8 (MANE Select); coding-DNA position 1371, G replaced by T.
Protein change: p.Arg457Ser; replaces arginine 457 with serine.
Molecular consequence: missense variant.
Genome position (GRCh38, 1-based): chr9:98,394,182, C>A on the plus strand (G>T on the coding strand, the complement: GABBR2 is on the minus strand). VCF-style: chr9-98394182-C-A. GRCh37 (hg19) VCF-style: chr9-101156464-C-A.
Other names: short protein forms R457S.
Identifiers: ClinVar variation 3730827 (VCV003730827.2).